The following is an entry in ClinVar:

ClinVar aggregate classification (germline): Uncertain significance (1 of 4 stars; one submission).

Conditions:
Breast-ovarian cancer, familial, susceptibility to, 4. Identifiers: Orphanet 145, MedGen C3280345, MONDO:0013669, OMIM 614291.

Allele frequency attached by ClinVar (database versions not stated): gnomAD exomes below 0.00001.

Submission:

Labcorp Genetics (formerly Invitae), Labcorp
Classification: Uncertain significance for Breast-ovarian cancer, familial, susceptibility to, 4. Last evaluated: 2018-09-26. Review status: criteria provided, single submitter. Criteria: Invitae Variant Classification Sherloc (09022015). Collection method: clinical testing. Allele origin: germline.
Comment: Algorithms developed to predict the effect of missense changes on protein structure and function are either unavailable or do not agree on the potential impact of this missense change (SIFT: "Tolerated"; PolyPhen-2: "Possibly Damaging"; Align-GVGD: "Class C0"). This variant has not been reported in the literature in individuals with RAD51D-related disease. This variant is not present in population databases (ExAC no frequency). This sequence change replaces glutamic acid with valine at codon 15 of the RAD51D protein (p.Glu15Val). The glutamic acid residue is weakly conserved and there is a moderate physicochemical difference between glutamic acid and valine. Algorithms developed to predict the effect of sequence changes on RNA splicing suggest that this variant may create or strengthen a splice site, but this prediction has not been confirmed by published transcriptional studies. In summary, the available evidence is currently insufficient to determine the role of this variant in disease. Therefore, it has been classified as a Variant of Uncertain Significance.

NM_002878.4(RAD51D):c.44A>T (p.Glu15Val)

Genes: RAD51L3-RFFL (RAD51L3-RFFL readthrough; minus strand), RAD51D (RAD51 paralog D; minus strand). Cytogenetic location: 17q12.
Variant type: single nucleotide variant.
Coding change: c.44A>T on transcript NM_002878.4 (MANE Select); coding-DNA position 44, A replaced by T.
Protein change: p.Glu15Val; replaces glutamic acid 15 with valine.
Molecular consequence: missense variant. On other transcripts: non-coding transcript variant (2).
Genome position (GRCh38, 1-based): chr17:35,119,570, T>A on the plus strand (A>T on the coding strand, the complement: RAD51D is on the minus strand). VCF-style: chr17-35119570-T-A. GRCh37 (hg19) VCF-style: chr17-33446589-T-A.
Other names: c.44A>T, p.Glu15Val (NM_001142571.2, NM_133629.3); short protein forms E15V.
Identifiers: ClinVar variation 660936 (VCV000660936.8), dbSNP rs1567736383, ClinGen allele CA399092449.